The following is an entry in ClinVar:

NM_000465.4(BARD1):c.575C>T (p.Ser192Phe)

Gene: BARD1 (BRCA1 associated RING domain 1; minus strand). Cytogenetic location: 2q35.
Variant type: single nucleotide variant.
Coding change: c.575C>T on transcript NM_000465.4 (MANE Select); coding-DNA position 575, C replaced by T.
Protein change: p.Ser192Phe; replaces serine 192 with phenylalanine.
Molecular consequence: missense variant. On other transcripts: non-coding transcript variant (2), intron variant (3).
Genome position (GRCh38, 1-based): chr2:214,781,299, G>A on the plus strand (C>T on the coding strand, the complement: BARD1 is on the minus strand). VCF-style: chr2-214781299-G-A. GRCh37 (hg19) VCF-style: chr2-215646023-G-A.
Other names: c.518C>T, p.Ser173Phe (NM_001282543.2); c.158+28113C>T (NM_001282548.2); c.215+15762C>T (NM_001282545.2); c.364+10998C>T (NM_001282549.2); c.575C>T (NM_000465.2); short protein forms S173F, S192F.
Identifiers: ClinVar variation 3024042 (VCV003024042.4), dbSNP rs587782482, ClinGen allele CA350456858.

ClinVar aggregate classification (germline): Uncertain significance. Review status: criteria provided, multiple submitters, no conflicts (2 of 4 stars). 2 submissions from 2 submitters: Uncertain significance (2). Last evaluated 2026-04-24.

Conditions:
Hereditary cancer-predisposing syndrome. Also called: Hereditary neoplastic syndrome; Neoplastic Syndromes, Hereditary; Tumor predisposition; Hereditary Cancer Syndrome. Identifiers: Orphanet 140162, MedGen C0027672, MeSH D009386, MONDO:0015356.
Familial cancer of breast. Also called: hereditary breast carcinoma; BREAST CANCER, FAMILIAL; Hereditary breast cancer. Identifiers: Orphanet 227535, MedGen C0346153, MONDO:0016419, OMIM 114480. Disease mechanism: loss of function.

gnomAD v4.1: 1 of 1,608,574 alleles (0.000062%); highest among the groups gnomAD compares: Non-Finnish European, 0.000085%; no homozygotes.

Submissions (2):

Ambry Genetics
Classification: Uncertain significance for Hereditary cancer-predisposing syndrome. Last evaluated: 2026-04-24. Review status: criteria provided, single submitter. Criteria: Ambry Variant Classification Scheme 2023. Collection method: clinical testing. Allele origin: germline.
Comment: The p.S192F variant (also known as c.575C>T), located in coding exon 4 of the BARD1 gene, results from a C to T substitution at nucleotide position 575. The serine at codon 192 is replaced by phenylalanine, an amino acid with highly dissimilar properties. This amino acid position is not well conserved in available vertebrate species. In addition, this alteration is predicted to be tolerated by in silico analysis. Based on the available evidence, the clinical significance of this variant remains unclear.

Labcorp Genetics (formerly Invitae), Labcorp
Classification: Uncertain significance for Familial cancer of breast. Last evaluated: 2025-03-19. Review status: criteria provided, single submitter. Criteria: Invitae Variant Classification Sherloc (09022015). Collection method: clinical testing. Allele origin: germline.
Comment: This sequence change replaces serine, which is neutral and polar, with phenylalanine, which is neutral and non-polar, at codon 192 of the BARD1 protein (p.Ser192Phe). This variant is not present in population databases (gnomAD no frequency). This variant has not been reported in the literature in individuals affected with BARD1-related conditions. ClinVar contains an entry for this variant (Variation ID: 3024042). An algorithm developed to predict the effect of missense changes on protein structure and function (PolyPhen-2) suggests that this variant is likely to be disruptive. In summary, the available evidence is currently insufficient to determine the role of this variant in disease. Therefore, it has been classified as a Variant of Uncertain Significance.